The following is an entry in ClinVar:

NM_007194.4(CHEK2):c.1393A>T (p.Lys465Ter)

Gene: CHEK2 (checkpoint kinase 2; minus strand). Cytogenetic location: 22q12.1.
Variant type: single nucleotide variant.
Coding change: c.1393A>T on transcript NM_007194.4 (MANE Select); coding-DNA position 1393, A replaced by T.
Protein change: p.Lys465Ter; replaces lysine 465 with a stop codon.
Molecular consequence: nonsense.
Genome position (GRCh38, 1-based): chr22:28,694,100, T>A on the plus strand (A>T on the coding strand, the complement: CHEK2 is on the minus strand). VCF-style: chr22-28694100-T-A. GRCh37 (hg19) VCF-style: chr22-29090088-T-A.
Other names: c.1522A>T, p.Lys508Ter (NM_001005735.3); c.730A>T, p.Lys244Ter (NM_001257387.3); c.1192A>T, p.Lys398Ter (NM_001349956.3); c.1306A>T, p.Lys436Ter (NM_145862.3); short protein forms K398*, K465*, K244*, K436*, K508*.
Identifiers: ClinVar variation 2033510 (VCV002033510.7), dbSNP rs2517788289, ClinGen allele CA411094448.
Genomic context (GRCh38, chr22:28,694,100, plus strand): 5'-ACGGGTGTCTTAAGGCTTCTTCTGTCGTAAAACGTGCCTTTGGATCCACTACCAACAACT[T>A]CTTGACAAGGTCCAGAGCTAAAGCAACAATTGGGCAAATCACAGTGAAAAGGATAAATAT-3'

ClinVar aggregate classification (germline): Pathogenic. Review status: criteria provided, multiple submitters, no conflicts (2 of 4 stars). 3 submissions from 3 submitters: Pathogenic (3). Last evaluated 2026-01-14.

Conditions:
Hereditary cancer-predisposing syndrome. Also called: Hereditary Cancer Syndrome; Neoplastic Syndromes, Hereditary; Hereditary neoplastic syndrome; Tumor predisposition. Identifiers: Orphanet 140162, MedGen C0027672, MeSH D009386, MONDO:0015356.
Familial cancer of breast. Also called: BREAST CANCER, FAMILIAL; Hereditary breast cancer; hereditary breast carcinoma. Identifiers: Orphanet 227535, MedGen C0346153, MONDO:0016419, OMIM 114480. Disease mechanism: loss of function.

Submissions (3):

Labcorp Genetics (formerly Invitae), Labcorp
Classification: Pathogenic for Familial cancer of breast. Last evaluated: 2026-01-14. Review status: criteria provided, single submitter. Criteria: Invitae Variant Classification Sherloc (09022015). Collection method: clinical testing. Allele origin: germline.
Comment: This sequence change creates a premature translational stop signal (p.Lys465*) in the CHEK2 gene. It is expected to result in an absent or disrupted protein product. Loss-of-function variants in CHEK2 are known to be pathogenic (PMID: 21876083, 24713400). This variant is not present in population databases (gnomAD no frequency). This variant has not been reported in the literature in individuals affected with CHEK2-related conditions. ClinVar contains an entry for this variant (Variation ID: 2033510). Algorithms developed to predict the effect of sequence changes on RNA splicing suggest that this variant may disrupt the consensus splice site. For these reasons, this variant has been classified as Pathogenic.

Ambry Genetics
Classification: Pathogenic for Hereditary cancer-predisposing syndrome. Last evaluated: 2025-02-28. Review status: criteria provided, single submitter. Criteria: Ambry Variant Classification Scheme 2023. Collection method: clinical testing. Allele origin: germline.
Comment: The p.K465* pathogenic mutation (also known as c.1393A>T), located in coding exon 12 of the CHEK2 gene, results from an A to T substitution at nucleotide position 1393. This changes the amino acid from a lysine to a stop codon within coding exon 12. This variant is considered to be rare based on population cohorts in the Genome Aggregation Database (gnomAD). This alteration is expected to result in loss of function by premature protein truncation or nonsense-mediated mRNA decay. As such, this alteration is interpreted as a disease-causing mutation.

Myriad Genetics, Inc.
Classification: Pathogenic for Familial cancer of breast. Last evaluated: 2023-06-28. Review status: criteria provided, single submitter. Criteria: Myriad Autosomal Dominant, Autosomal Recessive and X-Linked Classification Criteria (2023). Collection method: clinical testing. Allele origin: unknown.
Comment: This variant is considered pathogenic. This variant creates a termination codon and is predicted to result in premature protein truncation.

Literature cited by the submitters: PubMed 21876083 (cited by Labcorp Genetics (formerly Invitae), Labcorp); PubMed 24713400 (cited by Labcorp Genetics (formerly Invitae), Labcorp).